The following is an entry in ClinVar:

ClinVar aggregate classification (germline): Uncertain significance. Review status: criteria provided, multiple submitters, no conflicts (2 of 4 stars). 2 submissions from 2 submitters: Uncertain significance (2). Last evaluated 2025-03-20.

Conditions:
Deficiency of adenosine deaminase 2. Also called: Polyarteritis nodosa, childhoood-onset; VASCULITIS, AUTOINFLAMMATION, IMMUNODEFICIENCY, AND HEMATOLOGIC DEFECTS SYNDROME; Adenosine Deaminase 2 Deficiency. Identifiers: Orphanet 404553, MedGen C3887654, MONDO:0014306, OMIM 615688, MONDO:0100317.
Sneddon syndrome (SNDNS). Also called: LIVEDO RETICULARIS AND CEREBROVASCULAR ACCIDENTS; Idiopathic livedo reticularis with systemic involvement. Identifiers: Orphanet 820, MedGen C0282492, MONDO:0008436, OMIM 182410.

Allele frequency attached by ClinVar (database versions not stated): gnomAD 0.00001; gnomAD exomes 0.00001 and 0.00003; TOPMed 0.00001; ExAC 0.00002.
gnomAD v4.1: 9 of 1,613,884 alleles (0.00056%); highest among the groups gnomAD compares: Admixed American, 0.015%; no homozygotes.

Submissions (2):

Labcorp Genetics (formerly Invitae), Labcorp
Classification: Uncertain significance for Deficiency of adenosine deaminase 2. Last evaluated: 2025-03-20. Review status: criteria provided, single submitter. Criteria: Invitae Variant Classification Sherloc (09022015). Collection method: clinical testing. Allele origin: germline.
Comment: This sequence change replaces histidine, which is basic and polar, with arginine, which is basic and polar, at codon 391 of the ADA2 protein (p.His391Arg). This variant is present in population databases (rs749413678, gnomAD 0.02%). This variant has not been reported in the literature in individuals affected with ADA2-related conditions. ClinVar contains an entry for this variant (Variation ID: 541732). Invitae Evidence Modeling of protein sequence and biophysical properties (such as structural, functional, and spatial information, amino acid conservation, physicochemical variation, residue mobility, and thermodynamic stability) indicates that this missense variant is expected to disrupt ADA2 protein function with a positive predictive value of 95%. In summary, the available evidence is currently insufficient to determine the role of this variant in disease. Therefore, it has been classified as a Variant of Uncertain Significance.

Fulgent Genetics
Classification: Uncertain significance for Sneddon syndrome; Deficiency of adenosine deaminase 2. Last evaluated: 2022-05-19. Review status: criteria provided, single submitter. Criteria: ACMG Guidelines, 2015. Collection method: clinical testing. Allele origin: unknown.

NM_001282225.2(ADA2):c.1172A>G (p.His391Arg)

Gene: ADA2 (adenosine deaminase 2; minus strand). Cytogenetic location: 22q11.1.
Variant type: single nucleotide variant.
Coding change: c.1172A>G on transcript NM_001282225.2 (MANE Select); coding-DNA position 1172, A replaced by G.
Protein change: p.His391Arg; replaces histidine 391 with arginine.
Molecular consequence: missense variant.
Genome position (GRCh38, 1-based): chr22:17,182,671, T>C on the plus strand (A>G on the coding strand, the complement: ADA2 is on the minus strand). VCF-style: chr22-17182671-T-C. GRCh37 (hg19) VCF-style: chr22-17663561-T-C.
Other names: c.1172A>G, p.His391Arg (NM_001282226.2); c.1046A>G, p.His349Arg (NM_001282227.2, NM_001282228.2); c.812A>G, p.His271Arg (NM_001282229.2); c.449A>G, p.His150Arg (NM_177405.3); short protein forms H391R, H150R, H271R, H349R.
Identifiers: ClinVar variation 541732 (VCV000541732.6), dbSNP rs749413678, ClinGen allele CA10087937.
Genomic context (GRCh38, chr22:17,182,671, plus strand): 5'-GAGATGGGACAGACTTCTATGGGGATGTCCTTTTTCCAGGAGTAAGTCCTGACTGCGGGG[T>C]GTTTGCTCAAAGCAAATCCATGGCCGATTCTGGTAGTGTTCAGCATCAGAGCATCCAGAA-3'
Protein context (NP_001269154.1, residues 381-401): RIGHGFALSK[His391Arg]PAVRTYSWKK